The following is an entry in ClinVar:

NM_000551.4(VHL):c.*1023G>A

Genes: VHL (von Hippel-Lindau tumor suppressor; plus strand), LOC107303340 (3p25 von Hippel-Lindau tumor suppressor, E3 ubiquitin protein ligase Alu-mediated recombination region; plus strand). Cytogenetic location: 3p25.3.
Variant type: single nucleotide variant.
Coding change: c.*1023G>A on transcript NM_000551.4 (MANE Select); 1023 bases downstream of the stop codon, G replaced by A.
Molecular consequence: 3 prime UTR variant.
Genome position (GRCh38, 1-based): chr3:10,150,988, G>A. VCF-style: chr3-10150988-G-A. GRCh37 (hg19) VCF-style: chr3-10192672-G-A.
Other names: c.*1219G>A (NM_001354723.2); c.*1023G>A (NM_198156.3).
Identifiers: ClinVar variation 342424 (VCV000342424.6), dbSNP rs1681669, ClinGen allele CA10614404.

ClinVar aggregate classification (germline): Benign. Review status: criteria provided, multiple submitters, no conflicts (2 of 4 stars). 2 submissions from 2 submitters: Benign (2). Last evaluated 2018-01-12.

Conditions:
Von Hippel-Lindau syndrome (VHLS). Also called: Von Hippel-Lindau; von Hippel–Lindau syndrome; VHL syndrome. Identifiers: Orphanet 892, MedGen C0019562, MONDO:0008667, OMIM 193300. Disease mechanism: loss of function.

Allele frequency attached by ClinVar (database versions not stated): 1000 Genomes Project 30x 0.57261; 1000 Genomes Project 0.58466; TOPMed 0.58959; gnomAD 0.60118 and 0.60487; gnomAD exomes 0.67953.
gnomAD v4.1: 122,661 of 197,252 alleles (62%); highest among the groups gnomAD compares: East Asian, 75%; 39,981 homozygotes.

Submissions (2):

Illumina Laboratory Services, Illumina
Classification: Benign for Von Hippel-Lindau syndrome. Last evaluated: 2018-01-12. Review status: criteria provided, single submitter. Criteria: ICSL Variant Classification Criteria 13 December 2019. Collection method: clinical testing. Allele origin: germline.
Comment: This variant was observed in the ICSL laboratory as part of a predisposition screen in an ostensibly healthy population. It had not been previously curated by ICSL or reported in the Human Gene Mutation Database (HGMD: prior to June 1st, 2018), and was therefore a candidate for classification through an automated scoring system. Utilizing variant allele frequency, disease prevalence and penetrance estimates, and inheritance mode, an automated score was calculated to assess if this variant is too frequent to cause the disease. Based on the score and internal cut-off values, a variant classified as benign is not then subjected to further curation. The score for this variant resulted in a classification of benign for this disease.

Breakthrough Genomics
Classification: Benign. Review status: criteria provided, single submitter. Criteria: ACMG Guidelines, 2015. Collection method: not provided. Allele origin: germline. Inheritance: Autosomal recessive inheritance. Affected: yes.